The following is an entry in ClinVar:

ClinVar aggregate classification (germline): Benign/Likely benign. Review status: criteria provided, multiple submitters, no conflicts (2 of 4 stars). 4 submissions from 4 submitters: Benign (1); Likely benign (3). Last evaluated 2026-02-04.

Conditions:
Iodotyrosyl coupling defect (TDH3). Also called: THYROID HORMONOGENESIS, GENETIC DEFECT IN, 3; HYPOTHYROIDISM, CONGENITAL, DUE TO DYSHORMONOGENESIS, 3. Identifiers: Orphanet 95716, MedGen C0342194, MONDO:0010135, OMIM 274700.

Allele frequency attached by ClinVar (database versions not stated): ESP Exome Variant Server 0.00131; TOPMed 0.00727; gnomAD 0.00834 and 0.00932; ExAC 0.01316; gnomAD exomes 0.01385; 1000 Genomes Project 30x 0.02030; 1000 Genomes Project 0.02276.
gnomAD v4.1: 9,560 of 1,602,424 alleles (0.6%); highest among the groups gnomAD compares: East Asian, 8.2%; 240 homozygotes.

Submissions (4):

Labcorp Genetics (formerly Invitae), Labcorp
Classification: Benign. Last evaluated: 2026-02-04. Review status: criteria provided, single submitter. Criteria: Invitae Variant Classification Sherloc (09022015). Collection method: clinical testing. Allele origin: germline.

Blueprint Genetics
Classification: Likely benign. Last evaluated: 2024-11-27. Review status: criteria provided, single submitter. Criteria: ACMG Guidelines, 2015. Collection method: clinical testing. Allele origin: germline.

Illumina Laboratory Services, Illumina
Classification: Likely benign for Iodotyrosyl coupling defect. Last evaluated: 2018-01-13. Review status: criteria provided, single submitter. Criteria: ICSL Variant Classification Criteria 13 December 2019. Collection method: clinical testing. Allele origin: germline.
Comment: This variant was observed in the ICSL laboratory as part of a predisposition screen in an ostensibly healthy population. It had not been previously curated by ICSL or reported in the Human Gene Mutation Database (HGMD: prior to June 1st, 2018), and was therefore a candidate for classification through an automated scoring system. Utilizing variant allele frequency, disease prevalence and penetrance estimates, and inheritance mode, an automated score was calculated to assess if this variant is too frequent to cause the disease. Based on the score and internal cut-off values, a variant classified as likely benign is not then subjected to further curation. The score for this variant resulted in a classification of likely benign for this disease.

Breakthrough Genomics
Classification: Likely benign. Review status: criteria provided, single submitter. Criteria: ACMG Guidelines, 2015. Collection method: not provided. Allele origin: germline. Inheritance: Autosomal recessive inheritance. Affected: yes.

NM_003235.5(TG):c.2761+14T>C

Gene: TG (thyroglobulin; plus strand). Cytogenetic location: 8q24.22.
Variant type: single nucleotide variant.
Coding change: c.2761+14T>C on transcript NM_003235.5 (MANE Select); 14 bases into the intron after coding-DNA position 2761, T replaced by C.
Molecular consequence: intron variant.
Genome position (GRCh38, 1-based): chr8:132,888,582, T>C. VCF-style: chr8-132888582-T-C. GRCh37 (hg19) VCF-style: chr8-133900827-T-C.
Identifiers: ClinVar variation 910870 (VCV000910870.9), dbSNP rs76286566, ClinGen allele CA4883472.
Genomic context (GRCh38, chr8:132,888,582, plus strand): 5'-CCAAGAACTGGAAGGAATGCGGTCTGAGCCAAGCAAGCTCCCAACATGTGAGCTAACGCA[T>C]ATGAAGAGTTAAATGTGTGTGTGTGTGTGTGTGTGTGTGTATGTGTGTTTAACATATAAA-3'